The following is an entry in ClinVar:

NM_144670.6(A2ML1):c.500G>T (p.Arg167Met)

Gene: A2ML1 (alpha-2-macroglobulin like 1; plus strand). Cytogenetic location: 12p13.31.
Variant type: single nucleotide variant.
Coding change: c.500G>T on transcript NM_144670.6 (MANE Select); coding-DNA position 500, G replaced by T.
Protein change: p.Arg167Met; replaces arginine 167 with methionine.
Molecular consequence: missense variant.
Genome position (GRCh38, 1-based): chr12:8,835,523, G>T. VCF-style: chr12-8835523-G-T. GRCh37 (hg19) VCF-style: chr12-8988119-G-T.
Other names: short protein forms R167M.
Identifiers: ClinVar variation 3854164 (VCV003854164.1).
Genomic context (GRCh38, chr12:8,835,523, plus strand): 5'-GAAGCAAACGGGCAGGCACATCATGCAGTTTCTCTATTGGACAGGATCCAAATAGCAACA[G>T]GATTGCACAGTGGCTGGAAGTGGTACCTGAGCAAGGCATTGTAGACCTGTCCTTCCAACT-3'
Protein context (NP_653271.3, residues 157-177): MVELQDPNSN[Arg167Met]IAQWLEVVPE

ClinVar aggregate classification (germline): Uncertain significance (1 of 4 stars; one submission).

Submission:

Ambry Genetics
Classification: Uncertain significance. Last evaluated: 2025-03-04. Review status: criteria provided, single submitter. Criteria: Ambry Variant Classification Scheme 2023. Collection method: clinical testing. Allele origin: germline.
Comment: The p.R167M variant (also known as c.500G>T), located in coding exon 6 of the A2ML1 gene, results from a G to T substitution at nucleotide position 500. The arginine at codon 167 is replaced by methionine, an amino acid with similar properties. This amino acid position is conserved. In addition, the in silico prediction for this alteration is inconclusive. Based on the available evidence, the clinical significance of this variant remains unclear.